The following is an entry in ClinVar:

NM_000552.5(VWF):c.3505T>C (p.Cys1169Arg)

Gene: VWF (von Willebrand factor; minus strand). Cytogenetic location: 12p13.31.
Variant type: single nucleotide variant.
Coding change: c.3505T>C on transcript NM_000552.5 (MANE Select); coding-DNA position 3505, T replaced by C.
Protein change: p.Cys1169Arg; replaces cysteine 1169 with arginine.
Molecular consequence: missense variant.
Genome position (GRCh38, 1-based): chr12:6,022,773, A>G on the plus strand (T>C on the coding strand, the complement: VWF is on the minus strand). VCF-style: chr12-6022773-A-G. GRCh37 (hg19) VCF-style: chr12-6131939-A-G.
Other names: short protein forms C1169R.
Identifiers: ClinVar variation 2442615 (VCV002442615.1), dbSNP rs2497526039, ClinGen allele CA383511220.

ClinVar aggregate classification (germline): Uncertain significance (1 of 4 stars; one submission).

Submission:

GeneDx
Classification: Uncertain significance. Last evaluated: 2022-09-06. Review status: criteria provided, single submitter. Criteria: GeneDx Variant Classification Process June 2021. Collection method: clinical testing. Allele origin: germline. Affected: yes.
Comment: Not observed at significant frequency in large population cohorts (gnomAD); In silico analysis supports that this missense variant has a deleterious effect on protein structure/function; Has not been previously published as pathogenic or benign to our knowledge